The following is an entry in ClinVar:

ClinVar aggregate classification (germline): Benign (1 of 4 stars; one submission).

Allele frequency attached by ClinVar (database versions not stated): gnomAD 0.04100 and 0.04173; TOPMed 0.04211; 1000 Genomes Project 0.05811; 1000 Genomes Project 30x 0.05856.
gnomAD v4.1: 6,206 of 152,032 alleles (4.1%); highest among the groups gnomAD compares: African/African-American, 10%; 238 homozygotes.

Submission:

GeneDx
Classification: Benign. Last evaluated: 2018-06-16. Review status: criteria provided, single submitter. Criteria: GeneDx Variant Classification (06012015). Collection method: clinical testing. Allele origin: germline. Affected: yes.
Comment: This variant is considered likely benign or benign based on one or more of the following criteria: it is a conservative change, it occurs at a poorly conserved position in the protein, it is predicted to be benign by multiple in silico algorithms, and/or has population frequency not consistent with disease.

NM_003978.5(PSTPIP1):c.417+232G>C

Gene: PSTPIP1 (proline-serine-threonine phosphatase interacting protein 1; plus strand). Cytogenetic location: 15q24.3.
Variant type: single nucleotide variant.
Coding change: c.417+232G>C on transcript NM_003978.5 (MANE Select); 232 bases into the intron after coding-DNA position 417, G replaced by C.
Molecular consequence: intron variant.
Genome position (GRCh38, 1-based): chr15:77,028,146, G>C. VCF-style: chr15-77028146-G-C. GRCh37 (hg19) VCF-style: chr15-77320487-G-C.
Other names: c.612+232G>C (NM_001321137.1); c.390+232G>C (NM_001321136.2); c.417+232G>C (NM_001321135.2).
Identifiers: ClinVar variation 677782 (VCV000677782.1), dbSNP rs3812915, ClinGen allele CA273754804.